The following is an entry in ClinVar:

NM_000212.3(ITGB3):c.1376G>A (p.Cys459Tyr)

Gene: ITGB3 (integrin subunit beta 3; plus strand). Cytogenetic location: 17q21.32.
Variant type: single nucleotide variant.
Coding change: c.1376G>A on transcript NM_000212.3 (MANE Select); coding-DNA position 1376, G replaced by A.
Protein change: p.Cys459Tyr; replaces cysteine 459 with tyrosine.
Molecular consequence: missense variant.
Genome position (GRCh38, 1-based): chr17:47,292,254, G>A. VCF-style: chr17-47292254-G-A. GRCh37 (hg19) VCF-style: chr17-45369620-G-A.
Other names: p.Cys459Tyr; short protein forms C459Y.
Identifiers: ClinVar variation 4542187 (VCV004542187.1).

ClinVar aggregate classification (germline): Uncertain significance (1 of 4 stars; one submission).

gnomAD v4.1: 12 of 1,614,132 alleles (0.00074%); highest among the groups gnomAD compares: South Asian, 0.0011%; no homozygotes.

Submission:

Mayo Clinic Laboratories, Mayo Clinic
Classification: Uncertain significance. Last evaluated: 2025-07-14. Review status: criteria provided, single submitter. Criteria: ACMG Guidelines, 2015. Collection method: clinical testing. Allele origin: germline. Observed: 1 variant allele.
Comment: PP3_moderate, PM1

Literature cited by the submitters: PubMed 32757236.